The following is an entry in ClinVar:

ClinVar aggregate classification (germline): Uncertain significance. Review status: criteria provided, multiple submitters, no conflicts (2 of 4 stars). 3 submissions from 3 submitters: Uncertain significance (3). Last evaluated 2024-06-18.

Allele frequency attached by ClinVar (database versions not stated): TOPMed 0.00004; gnomAD 0.00005; gnomAD exomes 0.00005; ExAC 0.00008; ESP Exome Variant Server 0.00016.
gnomAD v4.1: 61 of 1,580,660 alleles (0.0039%); highest among the groups gnomAD compares: Non-Finnish European, 0.0049%; no homozygotes.

Submissions (3):

Women's Health and Genetics/Laboratory Corporation of America, LabCorp
Classification: Uncertain significance. Last evaluated: 2024-06-18. Review status: criteria provided, single submitter. Criteria: LabCorp Variant Classification Summary - May 2015. Collection method: clinical testing. Allele origin: germline.
Comment: Variant summary: PDX1 c.694G>A (p.Gly232Ser) results in a non-conservative amino acid change in the encoded protein sequence. Four of five in-silico tools predict a damaging effect of the variant on protein function. The variant allele was found at a frequency of 4.6e-05 in 194858 control chromosomes. The available data on variant occurrences in the general population are insufficient to allow any conclusion about variant significance. To our knowledge, no occurrence of c.694G>A in individuals affected with Familial Monogenic Diabetes (Maturity Onset Diabetes Of The Young 4)/Neonatal Diabetes Mellitus and no experimental evidence demonstrating its impact on protein function have been reported. ClinVar contains an entry for this variant (Variation ID: 995161). Based on the evidence outlined above, the variant was classified as uncertain significance.

Labcorp Genetics (formerly Invitae), Labcorp
Classification: Uncertain significance. Last evaluated: 2023-02-14. Review status: criteria provided, single submitter. Criteria: Invitae Variant Classification Sherloc (09022015). Collection method: clinical testing. Allele origin: germline.
Comment: This sequence change replaces glycine, which is neutral and non-polar, with serine, which is neutral and polar, at codon 232 of the PDX1 protein (p.Gly232Ser). This variant is present in population databases (rs367625089, gnomAD 0.01%). This variant has not been reported in the literature in individuals affected with PDX1-related conditions. ClinVar contains an entry for this variant (Variation ID: 995161). Advanced modeling of protein sequence and biophysical properties (such as structural, functional, and spatial information, amino acid conservation, physicochemical variation, residue mobility, and thermodynamic stability) performed at Invitae indicates that this missense variant is not expected to disrupt PDX1 protein function. In summary, the available evidence is currently insufficient to determine the role of this variant in disease. Therefore, it has been classified as a Variant of Uncertain Significance.

Athena Diagnostics
Classification: Uncertain significance. Last evaluated: 2019-11-25. Review status: criteria provided, single submitter. Criteria: Athena Diagnostics Criteria. Collection method: clinical testing. Allele origin: unknown.

Literature cited by the submitters: PubMed 22494076 (cited by Athena Diagnostics).

NM_000209.4(PDX1):c.694G>A (p.Gly232Ser)

Gene: PDX1 (pancreatic and duodenal homeobox 1; plus strand). Cytogenetic location: 13q12.2.
Variant type: single nucleotide variant.
Coding change: c.694G>A on transcript NM_000209.4 (MANE Select); coding-DNA position 694, G replaced by A.
Protein change: p.Gly232Ser; replaces glycine 232 with serine.
Molecular consequence: missense variant.
Genome position (GRCh38, 1-based): chr13:27,924,543, G>A. VCF-style: chr13-27924543-G-A. GRCh37 (hg19) VCF-style: chr13-28498680-G-A.
Other names: short protein forms G232S.
Identifiers: ClinVar variation 995161 (VCV000995161.6), dbSNP rs367625089, ClinGen allele CA6927711.